The following is an entry in ClinVar:

NM_001290060.2(SEMA3B):c.1380G>T (p.Val460=)

Gene: SEMA3B (semaphorin 3B; plus strand). Cytogenetic location: 3p21.31.
Variant type: single nucleotide variant.
Coding change: c.1380G>T on transcript NM_001290060.2 (MANE Select); coding-DNA position 1380, G replaced by T.
Protein change: p.Val460=; no amino-acid change (valine 460 retained).
Molecular consequence: synonymous variant. On other transcripts: non-coding transcript variant (1).
Genome position (GRCh38, 1-based): chr3:50,274,865, G>T. VCF-style: chr3-50274865-G-T. GRCh37 (hg19) VCF-style: chr3-50312296-G-T.
Other names: c.1377G>T, p.Val459= (NM_001005914.3); c.1395G>T, p.Val465= (NM_001290061.1); c.351G>T, p.Val117= (NM_001290062.2, NM_001290063.2); c.1380G>T, p.Val460= (NM_004636.4).
Identifiers: ClinVar variation 3355365 (VCV003355365.1).

ClinVar aggregate classification (germline): Likely benign (0 of 4 stars; one submission).

Conditions:
SEMA3B-related disorder. Also called: SEMA3B-related condition.

Submission:

PreventionGenetics, part of Exact Sciences
Classification: Likely benign for SEMA3B-related condition. Last evaluated: 2021-10-18. Review status: no assertion criteria provided. Collection method: clinical testing. Allele origin: germline.
Comment: This variant is classified as likely benign based on ACMG/AMP sequence variant interpretation guidelines (Richards et al. 2015 PMID: 25741868, with internal and published modifications).